The following is an entry in ClinVar:

NM_032833.5(PPP1R15B):c.1791C>T (p.Ala597=)

Gene: PPP1R15B (protein phosphatase 1 regulatory subunit 15B; minus strand). Cytogenetic location: 1q32.1.
Variant type: single nucleotide variant.
Coding change: c.1791C>T on transcript NM_032833.5 (MANE Select); coding-DNA position 1791, C replaced by T.
Protein change: p.Ala597=; no amino-acid change (alanine 597 retained).
Molecular consequence: synonymous variant.
Genome position (GRCh38, 1-based): chr1:204,409,621, G>A on the plus strand (C>T on the coding strand, the complement: PPP1R15B is on the minus strand). VCF-style: chr1-204409621-G-A. GRCh37 (hg19) VCF-style: chr1-204378749-G-A.
Identifiers: ClinVar variation 3771250 (VCV003771250.14).

ClinVar aggregate classification (germline): Likely benign. Review status: criteria provided, multiple submitters, no conflicts (2 of 4 stars). 2 submissions from 2 submitters: Likely benign (2). Last evaluated 2025-10-02.

gnomAD v4.1: 256 of 1,613,960 alleles (0.016%); highest among the groups gnomAD compares: South Asian, 0.025%; no homozygotes.

Submissions (2):

Labcorp Genetics (formerly Invitae), Labcorp
Classification: Likely benign. Last evaluated: 2025-10-02. Review status: criteria provided, single submitter. Criteria: Invitae Variant Classification Sherloc (09022015). Collection method: clinical testing. Allele origin: germline.

CeGaT Center for Human Genetics Tuebingen
Classification: Likely benign. Last evaluated: 2025-01-01. Review status: criteria provided, single submitter. Criteria: CeGaT Center For Human Genetics Tuebingen Variant Classification Criteria Version 2. Collection method: clinical testing. Allele origin: germline. Affected: yes. Observed: 1 variant allele.
Comment: PPP1R15B: BP4, BP7